The following is an entry in ClinVar:

NM_001365951.3(KIF1B):c.2869A>G (p.Ser957Gly)

Genes: KIF1B (kinesin family member 1B; plus strand), LOC126805614 (BRD4-independent group 4 enhancer GRCh37_chr1:10385546-10386745; plus strand). Cytogenetic location: 1p36.22.
Variant type: single nucleotide variant.
Coding change: c.2869A>G on transcript NM_001365951.3 (MANE Select); coding-DNA position 2869, A replaced by G.
Protein change: p.Ser957Gly; replaces serine 957 with glycine.
Molecular consequence: missense variant.
Genome position (GRCh38, 1-based): chr1:10,326,304, A>G. VCF-style: chr1-10326304-A-G. GRCh37 (hg19) VCF-style: chr1-10386362-A-G.
Other names: c.2869A>G, p.Ser957Gly (NM_001365952.1); c.2731A>G, p.Ser911Gly (NM_015074.3); short protein forms S911G, S957G.
Identifiers: ClinVar variation 1012063 (VCV001012063.12), dbSNP rs556117169, ClinGen allele CA581629.

ClinVar aggregate classification (germline): Conflicting classifications of pathogenicity. Review status: criteria provided, conflicting classifications (1 of 4 stars). 3 submissions from 3 submitters: Uncertain significance (1); Likely benign (2). Last evaluated 2024-11-18.

Conditions:
Charcot-Marie-Tooth disease type 2. Also called: Charcot-Marie-Tooth type 2. Identifiers: Orphanet 64746, MedGen C0270914, MONDO:0018993.

Allele frequency attached by ClinVar (database versions not stated): gnomAD below 0.00001 and 0.00001; gnomAD exomes 0.00004 and 0.00008; ExAC 0.00007; 1000 Genomes Project 30x 0.00016; 1000 Genomes Project 0.00020.
gnomAD v4.1: 61 of 1,614,216 alleles (0.0038%); highest among the groups gnomAD compares: South Asian, 0.037%; 2 homozygotes.

Submissions (3):

Blueprint Genetics
Classification: Likely benign. Last evaluated: 2024-11-18. Review status: criteria provided, single submitter. Criteria: ACMG Guidelines, 2015. Collection method: clinical testing. Allele origin: germline.

Labcorp Genetics (formerly Invitae), Labcorp
Classification: Uncertain significance for Charcot-Marie-Tooth disease type 2. Last evaluated: 2024-07-16. Review status: criteria provided, single submitter. Criteria: Invitae Variant Classification Sherloc (09022015). Collection method: clinical testing. Allele origin: germline.
Comment: This sequence change replaces serine, which is neutral and polar, with glycine, which is neutral and non-polar, at codon 911 of the KIF1B protein (p.Ser911Gly). This variant is present in population databases (rs556117169, gnomAD 0.04%), and has an allele count higher than expected for a pathogenic variant. This missense change has been observed in individual(s) with clinical features of Charcot-Marie-Tooth disease (PMID: 34169998). ClinVar contains an entry for this variant (Variation ID: 1012063). An algorithm developed to predict the effect of missense changes on protein structure and function (PolyPhen-2) suggests that this variant is likely to be tolerated. Algorithms developed to predict the effect of sequence changes on RNA splicing suggest that this variant may create or strengthen a splice site. In summary, the available evidence is currently insufficient to determine the role of this variant in disease. Therefore, it has been classified as a Variant of Uncertain Significance.

Ambry Genetics
Classification: Likely benign. Last evaluated: 2021-03-31. Review status: criteria provided, single submitter. Criteria: Ambry Variant Classification Scheme 2023. Collection method: clinical testing. Allele origin: germline.

Literature cited by the submitters: PubMed 34169998 (cited by Labcorp Genetics (formerly Invitae), Labcorp).